The following is an entry in ClinVar:

ClinVar aggregate classification (germline): Conflicting classifications of pathogenicity. Review status: criteria provided, conflicting classifications (1 of 4 stars). 3 submissions from 3 submitters: Uncertain significance (1); Likely benign (2). Last evaluated 2022-12-01.

Allele frequency attached by ClinVar (database versions not stated): 1000 Genomes Project 30x 0.00021; 1000 Genomes Project 0.00026; ExAC 0.00032; gnomAD 0.00033 and 0.00034; gnomAD exomes 0.00034 and 0.00040; TOPMed 0.00045; ESP Exome Variant Server 0.00057.
gnomAD v4.1: 434 of 1,210,594 alleles (0.036%); highest among the groups gnomAD compares: Non-Finnish European, 0.028%; no homozygotes.

Submissions (3):

CeGaT Center for Human Genetics Tuebingen
Classification: Likely benign. Last evaluated: 2022-12-01. Review status: criteria provided, single submitter. Criteria: CeGaT Center For Human Genetics Tuebingen Variant Classification Criteria Version 2. Collection method: clinical testing. Allele origin: germline. Affected: yes. Observed: 1 variant allele.
Comment: WNK3: BP4, BS2

Ambry Genetics
Classification: Uncertain significance. Last evaluated: 2022-11-07. Review status: criteria provided, single submitter. Criteria: Ambry Variant Classification Scheme 2023. Collection method: clinical testing. Allele origin: germline.

Labcorp Genetics (formerly Invitae), Labcorp
Classification: Likely benign. Last evaluated: 2019-12-31. Review status: criteria provided, single submitter. Criteria: Invitae Variant Classification Sherloc (09022015). Collection method: clinical testing. Allele origin: germline.

NM_020922.5(WNK3):c.4501G>A (p.Glu1501Lys)

Gene: WNK3 (WNK lysine deficient protein kinase 3; minus strand). Cytogenetic location: Xp11.22.
Variant type: single nucleotide variant.
Coding change: c.4501G>A on transcript NM_020922.5 (MANE Select); coding-DNA position 4501, G replaced by A.
Protein change: p.Glu1501Lys; replaces glutamic acid 1501 with lysine.
Molecular consequence: missense variant.
Genome position (GRCh38, 1-based): chrX:54,237,065, C>T on the plus strand (G>A on the coding strand, the complement: WNK3 is on the minus strand). VCF-style: chrX-54237065-C-T. GRCh37 (hg19) VCF-style: chrX-54263498-C-T.
Other names: c.4360G>A, p.Glu1454Lys (NM_001002838.4); short protein forms E1454K, E1501K.
Identifiers: ClinVar variation 734918 (VCV000734918.30), dbSNP rs149043219, ClinGen allele CA10424212.